The following is an entry in ClinVar:

ClinVar aggregate classification (germline): Pathogenic (1 of 4 stars; one submission).

Conditions:
Retinitis pigmentosa with or without situs inversus. Also called: Retinitis pigmentosa 82 with or without situs inversus; Retinitis pigmentosa 82. Identifiers: Orphanet 791, MedGen C4747737, MONDO:0014186, OMIM 615434.

Submission:

Retina Clinic, Clinica Oftalmologica Sao Lucas Ltda
Classification: Pathogenic for Retinitis pigmentosa with or without situs inversus. Review status: criteria provided, single submitter. Criteria: ACMG Guidelines, 2015. Collection method: clinical testing. Allele origin: germline. Inheritance: Autosomal recessive inheritance. Affected: yes. Observed: 1 variant allele, 1 homozygote.
Comment: The ARL2BP c.232G>T (p.Glu78Ter) variant is a nonsense variant predicted to introduce a premature termination codon and result in loss of protein function. Loss-of-function variants in ARL2BP are an established disease mechanism for autosomal recessive retinitis pigmentosa with or without situs inversus. The testing laboratory classified the variant as pathogenic based on ACMG/AMP criteria PVS1 and PM2.

NM_012106.4(ARL2BP):c.232G>T (p.Glu78Ter)

Gene: ARL2BP (ARF like GTPase 2 binding protein; plus strand). Cytogenetic location: 16q13.
Variant type: single nucleotide variant.
Coding change: c.232G>T on transcript NM_012106.4 (MANE Select); coding-DNA position 232, G replaced by T.
Protein change: p.Glu78Ter; replaces glutamic acid 78 with a stop codon.
Molecular consequence: nonsense.
Genome position (GRCh38, 1-based): chr16:57,249,791, G>T. VCF-style: chr16-57249791-G-T. GRCh37 (hg19) VCF-style: chr16-57283703-G-T.
Other names: p.(Glu78*); short protein forms E78*.
Identifiers: ClinVar variation 5003201 (VCV005003201.1).